The following is an entry in ClinVar:

ClinVar aggregate classification (germline): Uncertain significance (1 of 4 stars; one submission).

Conditions:
Brown-Vialetto-van Laere syndrome 1. Also called: BROWN-VIALETTO-VAN LAERE SYNDROME 1, MILD; BULBAR PALSY, PROGRESSIVE, WITH SENSORINEURAL DEAFNESS; PONTOBULBAR PALSY WITH DEAFNESS. Identifiers: Orphanet 572550, Orphanet 97229, MedGen C0796274, MONDO:0024537, OMIM 211530.

Allele frequency attached by ClinVar (database versions not stated): gnomAD 0.00001; gnomAD exomes 0.00001; ExAC 0.00002; TOPMed 0.00002.

Submission:

Labcorp Genetics (formerly Invitae), Labcorp
Classification: Uncertain significance for Brown-Vialetto-van Laere syndrome 1. Last evaluated: 2022-01-21. Review status: criteria provided, single submitter. Criteria: Invitae Variant Classification Sherloc (09022015). Collection method: clinical testing. Allele origin: germline.
Comment: This sequence change replaces valine, which is neutral and non-polar, with alanine, which is neutral and non-polar, at codon 332 of the SLC52A3 protein (p.Val332Ala). This variant is present in population databases (rs781330617, gnomAD 0.003%). This variant has not been reported in the literature in individuals affected with SLC52A3-related conditions. Algorithms developed to predict the effect of missense changes on protein structure and function (SIFT, PolyPhen-2, Align-GVGD) all suggest that this variant is likely to be tolerated. In summary, the available evidence is currently insufficient to determine the role of this variant in disease. Therefore, it has been classified as a Variant of Uncertain Significance.

NM_033409.4(SLC52A3):c.995T>C (p.Val332Ala)

Gene: SLC52A3 (solute carrier family 52 member 3; minus strand). Cytogenetic location: 20p13.
Variant type: single nucleotide variant.
Coding change: c.995T>C on transcript NM_033409.4 (MANE Select); coding-DNA position 995, T replaced by C.
Protein change: p.Val332Ala; replaces valine 332 with alanine.
Molecular consequence: missense variant.
Genome position (GRCh38, 1-based): chr20:763,576, A>G on the plus strand (T>C on the coding strand, the complement: SLC52A3 is on the minus strand). VCF-style: chr20-763576-A-G. GRCh37 (hg19) VCF-style: chr20-744220-A-G.
Other names: c.995T>C, p.Val332Ala (NM_001370085.1, NM_001370086.1); short protein forms V332A.
Identifiers: ClinVar variation 2052671 (VCV002052671.1), dbSNP rs781330617, ClinGen allele CA9724634.